The following is an entry in ClinVar:

ClinVar aggregate classification (germline): Uncertain significance. Review status: criteria provided, single submitter (1 of 4 stars). 2 submissions from 1 submitter: Uncertain significance (1). 1 of the submissions does not count toward it. Last evaluated 2023-01-27.

Conditions:
Cardiovascular phenotype. Identifiers: MedGen CN230736.

Allele frequency attached by ClinVar (database versions not stated): gnomAD exomes below 0.00001.
gnomAD v4.1: 6 of 1,209,740 alleles (0.0005%); highest among the groups gnomAD compares: Non-Finnish European, 0.00056%; no homozygotes.

Submissions (2):

Ambry Genetics
Classification: Uncertain significance for Cardiovascular phenotype. Last evaluated: 2023-01-27. Review status: criteria provided, single submitter. Criteria: Ambry Variant Classification Scheme 2023. Collection method: clinical testing. Allele origin: germline.
Comment: The p.T211I variant (also known as c.632C>T), located in coding exon 5 of the LAMP2 gene, results from a C to T substitution at nucleotide position 632. The threonine at codon 211 is replaced by isoleucine, an amino acid with similar properties. This amino acid position is not well conserved in available vertebrate species. In addition, this alteration is predicted to be tolerated by in silico analysis. Since supporting evidence is limited at this time, the clinical significance of this alteration remains unclear.

Ambry Genetics
Classification: Uncertain significance for Cardiovascular phenotype. Last evaluated: 2021-09-13. Review status: flagged submission. Criteria: Ambry Variant Classification Scheme 2023. Collection method: clinical testing. Allele origin: germline. Not counted in ClinVar's aggregate classification.
ClinVar note: Reason: This record appears to be redundant with a more recent record from the same submitter.
ClinVar note: Notes: SCV003568248 appears to be redundant with SCV003853687.

NM_002294.3(LAMP2):c.632C>T (p.Thr211Ile)

Gene: LAMP2 (lysosomal associated membrane protein 2; minus strand). Cytogenetic location: Xq24.
Variant type: single nucleotide variant.
Coding change: c.632C>T on transcript NM_002294.3 (MANE Select); coding-DNA position 632, C replaced by T.
Protein change: p.Thr211Ile; replaces threonine 211 with isoleucine.
Molecular consequence: missense variant.
Genome position (GRCh38, 1-based): chrX:120,447,950, G>A on the plus strand (C>T on the coding strand, the complement: LAMP2 is on the minus strand). VCF-style: chrX-120447950-G-A. GRCh37 (hg19) VCF-style: chrX-119581805-G-A.
Other names: c.632C>T, p.Thr211Ile (NM_001122606.1, NM_013995.2); short protein forms T211I.
Identifiers: ClinVar variation 2240029 (VCV002240029.3), dbSNP rs2520884361, ClinGen allele CA414401532.
Genomic context (GRCh38, chrX:120,447,950, plus strand): 5'-GTATCATTGCCATTATTAACTGAATAGGTTCCAGCTTCTGGTTTTTCCTTTGGAGTAGGT[G>A]TTGTAGTAGGAGATGGCACAGTGGTGTGTATGGTGGGTGCCACTGTTGAAGTTTTGTCTT-3'
Protein context (NP_002285.1, residues 201-221): IHTTVPSPTT[Thr211Ile]PTPKEKPEAG